The following is an entry in ClinVar:

ClinVar aggregate classification (germline): Conflicting classifications of pathogenicity. Review status: criteria provided, conflicting classifications (1 of 4 stars). 11 submissions from 11 submitters: Uncertain significance (9); Likely benign (2). Last evaluated 2026-04-22.

Conditions:
TTN-related disorder. Also called: TTN-related condition; TTN-related disease; TTN-related disorders.
Myopathy, myofibrillar, 9, with early respiratory failure (MFM9). Also called: Hereditary myopathy with early respiratory failure; Myopathy, distal, with early respiratory failure, autosomal dominant; EDSTROM MYOPATHY; MYOPATHY, PROXIMAL, WITH EARLY RESPIRATORY MUSCLE INVOLVEMENT. Identifiers: Orphanet 178464, Orphanet 34521, MedGen C1863599, MONDO:0011362, OMIM 603689.
Early-onset myopathy with fatal cardiomyopathy (CMYO5). Also called: Salih Myopathy; CONGENITAL MYOPATHY 5 WITH CARDIOMYOPATHY. Identifiers: Orphanet 289377, MedGen C2673677, MONDO:0012714, OMIM 611705. Disease mechanism: loss of function.
Dilated cardiomyopathy 1G (CMD1G). Identifiers: Orphanet 154, MedGen C1858763, MONDO:0011400, OMIM 604145.
Autosomal recessive limb-girdle muscular dystrophy type 2J (LGMDR10). Also called: Limb-girdle muscular dystrophy, type 2J; MUSCULAR DYSTROPHY, LIMB-GIRDLE, AUTOSOMAL RECESSIVE 10. Identifiers: Orphanet 140922, MedGen C1837342, MONDO:0012127, OMIM 608807.
Tibial muscular dystrophy (TMD). Also called: Udd Distal Myopathy – Tibial Muscular Dystrophy; Tibial muscular dystrophy, tardive; UDD MYOPATHY. Identifiers: Orphanet 609, MedGen C1838244, MONDO:0010870, OMIM 600334.
Hypertrophic cardiomyopathy 9. Also called: Familial hypertrophic cardiomyopathy 9. Identifiers: MedGen C1861065, MONDO:0013412, OMIM 613765.

Allele frequency attached by ClinVar (database versions not stated): TOPMed 0.00003; ExAC 0.00005; gnomAD 0.00006 and 0.00009; gnomAD exomes 0.00006 and 0.00007; 1000 Genomes Project 0.00060; 1000 Genomes Project 30x 0.00062.
gnomAD v4.1: 102 of 1,605,914 alleles (0.0064%); highest among the groups gnomAD compares: Middle Eastern, 0.43%; 1 homozygote.

Submissions (11):

PreventionGenetics, part of Exact Sciences
Classification: Uncertain significance for TTN-related condition. Last evaluated: 2026-04-22. Review status: criteria provided, single submitter. Criteria: ACMG Guidelines, 2015. Collection method: clinical testing. Allele origin: germline.
Comment: The TTN c.55139T>C variant is predicted to result in the amino acid substitution p.Ile18380Thr. This variant has been reported in individuals with dilated cardiomyopathy, arrhythmogenic right ventricular cardiomyopathy, or left ventricular noncompaction cardiomyopathy (described as p.Ile15812Thr in Table S1, Pugh et al. 2014. PubMed ID: 24503780; described as p.Ile15812Thr in Table S1, Campuzano et al. 2015. PubMed ID: 26516846; described as p.Ile15812Thr in online supplementary file 2, van Lint et al. 2019. PubMed ID: 30847666; described as p.Ile16739Thr, Vershinina et al. 2020. PubMed ID: 33049752). This variant is reported in 0.021% of alleles in individuals of Latino descent in gnomAD. At this time, the clinical significance of this variant is uncertain due to the absence of conclusive functional and genetic evidence.

Dasa
Classification: Likely benign. Last evaluated: 2025-04-07. Review status: criteria provided, single submitter. Criteria: DASA Assertion Criteria. Collection method: clinical testing. Allele origin: germline.
Comment: NM_001267550.2(TTN):c.55139T>C (p.Ile18380Thr) is a missense variant that results in the substitution of isoleucine with threonine. Multiple computational predictions suggest no deleterious effect on the gene or gene product. Based on the available data, this variant is classified as likely benign.

Mayo Clinic Laboratories, Mayo Clinic
Classification: Uncertain significance. Last evaluated: 2024-05-17. Review status: criteria provided, single submitter. Criteria: ACMG Guidelines, 2015. Collection method: clinical testing. Allele origin: germline. Observed: 1 variant allele.

CeGaT Center for Human Genetics Tuebingen
Classification: Uncertain significance. Last evaluated: 2023-11-01. Review status: criteria provided, single submitter. Criteria: CeGaT Center For Human Genetics Tuebingen Variant Classification Criteria Version 2. Collection method: clinical testing. Allele origin: germline. Affected: yes. Observed: 2 variant alleles.

Department of Pathology and Laboratory Medicine, Sinai Health System
Classification: Uncertain significance for Early-onset myopathy with fatal cardiomyopathy; Myopathy, myofibrillar, 9, with early respiratory failure. Last evaluated: 2023-05-09. Review status: criteria provided, single submitter. Criteria: ACMG Guidelines, 2015. Collection method: research. Allele origin: germline.

Women's Health and Genetics/Laboratory Corporation of America, LabCorp
Classification: Uncertain significance. Last evaluated: 2021-08-23. Review status: criteria provided, single submitter. Criteria: LabCorp Variant Classification Summary - May 2015. Collection method: clinical testing. Allele origin: germline.
Comment: Variant summary: TTN c.47435T>C (p.Ile15812Thr) results in a non-conservative amino acid change located in the A-band of the encoded protein sequence. Three of five in-silico tools predict a damaging effect of the variant on protein function. The variant allele was found at a frequency of 7e-05 in 241606 control chromosomes. This frequency is not significantly higher than expected for a pathogenic variant in TTN causing Dilated Cardiomyopathy (7e-05 vs 0.00039), allowing no conclusion about variant significance. c.47435T>C has been reported in the literature in individuals affected with Dilated Cardiomyopathy, sudden cardiac death, unspecified cardiomyopathies, or Left Ventricular Non-Compaction (Pugh_2014, Campuzano_2015, vanLint_2019, Vershinina_2020). These reports do not provide unequivocal conclusions about association of the variant with Dilated Cardiomyopathy. To our knowledge, no experimental evidence demonstrating an impact on protein function has been reported. Four clinical diagnostic laboratories have submitted clinical-significance assessments for this variant to ClinVar after 2014 without evidence for independent evaluation. All laboratories classified the variant as uncertain significance. Based on the evidence outlined above, the variant was classified as uncertain significance.

GeneDx
Classification: Likely benign. Last evaluated: 2020-11-03. Review status: criteria provided, single submitter. Criteria: GeneDx Variant Classification Process June 2021. Collection method: clinical testing. Allele origin: germline. Affected: yes.
Comment: This variant is associated with the following publications: (PMID: 30847666)

Fulgent Genetics
Classification: Uncertain significance for Tibial muscular dystrophy; Myopathy, myofibrillar, 9, with early respiratory failure; Dilated cardiomyopathy 1G; Autosomal recessive limb-girdle muscular dystrophy type 2J; Early-onset myopathy with fatal cardiomyopathy; Hypertrophic cardiomyopathy 9. Last evaluated: 2018-10-31. Review status: criteria provided, single submitter. Criteria: ACMG Guidelines, 2015. Collection method: clinical testing. Allele origin: unknown.

Labcorp Genetics (formerly Invitae), Labcorp
Classification: Uncertain significance for Dilated cardiomyopathy 1G; Autosomal recessive limb-girdle muscular dystrophy type 2J. Last evaluated: 2017-06-06. Review status: criteria provided, single submitter. Criteria: Invitae Variant Classification Sherloc (09022015). Collection method: clinical testing. Allele origin: germline.

Eurofins Ntd Llc (ga)
Classification: Uncertain significance. Last evaluated: 2017-01-08. Review status: criteria provided, single submitter. Criteria: EGL Classification Definitions 2015. Collection method: clinical testing. Allele origin: germline. Observed: 1 variant allele, 1 heterozygote.

Laboratory for Molecular Medicine, Mass General Brigham Personalized Medicine
Classification: Uncertain significance. Last evaluated: 2012-07-31. Review status: criteria provided, single submitter. Criteria: LMM Criteria. Collection method: clinical testing. Allele origin: germline. Observed: 1 variant allele.
Comment: The Ile15812Thr variant in TTN has been identified in 1/28 Spanish chromosomes a nd 1/196 Italian chromosomes from broad populations by the 1000 Genomes project (dbSNP rs72646819). The affected amino acid is not well conserved in evolution, suggesting that a change may be tolerated. Other computational analyses (biochem ical amino acid properties, AlignGVGD, PolyPhen2, and SIFT) do not provide stron g support for or against an impact to the protein. Additional information is nee ded to fully assess the clinical significance of this variant.

Literature cited by the submitters: PubMed 24503780 (cited by Mayo Clinic Laboratories, Mayo Clinic and Women's Health and Genetics/Laboratory Corporation of America, LabCorp); PubMed 26516846 (cited by Mayo Clinic Laboratories, Mayo Clinic and Women's Health and Genetics/Laboratory Corporation of America, LabCorp); PubMed 30847666 (cited by Mayo Clinic Laboratories, Mayo Clinic and Women's Health and Genetics/Laboratory Corporation of America, LabCorp); PubMed 33049752 (cited by Women's Health and Genetics/Laboratory Corporation of America, LabCorp).

NM_001267550.2(TTN):c.55139T>C (p.Ile18380Thr)

Genes: TTN (titin; minus strand), TTN-AS1 (TTN antisense RNA 1; plus strand). Cytogenetic location: 2q31.2.
Variant type: single nucleotide variant.
Coding change: c.55139T>C on transcript NM_001267550.2 (MANE Select); coding-DNA position 55139, T replaced by C.
Protein change: p.Ile18380Thr; replaces isoleucine 18380 with threonine.
Molecular consequence: missense variant.
Genome position (GRCh38, 1-based): chr2:178,602,132, A>G on the plus strand (T>C on the coding strand, the complement: TTN is on the minus strand). VCF-style: chr2-178602132-A-G. GRCh37 (hg19) VCF-style: chr2-179466859-A-G.
Other names: p.I16739T:ATT>ACT; p.Ile16739Thr; c.50216T>C, p.Ile16739Thr (NM_001256850.1); c.47435T>C, p.Ile15812Thr (NM_133378.4); c.27944T>C, p.Ile9315Thr (NM_003319.4); c.28319T>C, p.Ile9440Thr (NM_133432.3); c.28520T>C, p.Ile9507Thr (NM_133437.4); short protein forms I18380T, I15812T, I16739T, I9315T, I9440T, I9507T.
Identifiers: ClinVar variation 47101 (VCV000047101.60), dbSNP rs72646819, ClinGen allele CA140004.